The following is an entry in ClinVar:

ClinVar aggregate classification (germline): Uncertain significance (1 of 4 stars; one submission).

Conditions:
Hereditary cancer-predisposing syndrome. Also called: Neoplastic Syndromes, Hereditary; Tumor predisposition; Hereditary Cancer Syndrome; Hereditary neoplastic syndrome. Identifiers: Orphanet 140162, MedGen C0027672, MeSH D009386, MONDO:0015356.

Submission:

Ambry Genetics
Classification: Uncertain significance for Hereditary cancer-predisposing syndrome. Last evaluated: 2024-04-23. Review status: criteria provided, single submitter. Criteria: Ambry Variant Classification Scheme 2023. Collection method: clinical testing. Allele origin: germline.
Comment: The p.D790G variant (also known as c.2369A>G), located in coding exon 4 of the MSH6 gene, results from an A to G substitution at nucleotide position 2369. The aspartic acid at codon 790 is replaced by glycine, an amino acid with similar properties. This amino acid position is highly conserved in available vertebrate species. In addition, this alteration is predicted to be deleterious by in silico analysis. Based on the available evidence, the clinical significance of this variant remains unclear.

NM_000179.3(MSH6):c.2369A>G (p.Asp790Gly)

Gene: MSH6 (mutS homolog 6; plus strand). Cytogenetic location: 2p16.3.
Variant type: single nucleotide variant.
Coding change: c.2369A>G on transcript NM_000179.3 (MANE Select); coding-DNA position 2369, A replaced by G.
Protein change: p.Asp790Gly; replaces aspartic acid 790 with glycine.
Molecular consequence: missense variant.
Genome position (GRCh38, 1-based): chr2:47,800,352, A>G. VCF-style: chr2-47800352-A-G. GRCh37 (hg19) VCF-style: chr2-48027491-A-G.
Other names: c.1979A>G, p.Asp660Gly (NM_001281492.2); c.1463A>G, p.Asp488Gly (NM_001281493.2, NM_001281494.2); short protein forms D790G, D660G, D488G.
Identifiers: ClinVar variation 821161 (VCV000821161.5), dbSNP rs1572726916, ClinGen allele CA346753670.